The following is an entry in ClinVar:

ClinVar aggregate classification (germline): Uncertain significance. Review status: criteria provided, multiple submitters, no conflicts (2 of 4 stars). 3 submissions from 3 submitters: Uncertain significance (3). Last evaluated 2024-10-14.

Conditions:
Inborn genetic diseases. Identifiers: MedGen C0950123, MeSH D030342.
Hereditary spastic paraplegia 48. Also called: SPASTIC PARAPLEGIA 48, AUTOSOMAL RECESSIVE; Spastic paraplegia 48. Identifiers: Orphanet 306511, MedGen C3150901, MONDO:0013342, OMIM 613647.
Hereditary spastic paraplegia. Also called: Familial spastic paraparesis. Identifiers: Orphanet 685, MedGen C0037773, MONDO:0019064. Disease mechanism: loss of function.

Allele frequency attached by ClinVar (database versions not stated): TOPMed below 0.00001.

Submissions (3):

Labcorp Genetics (formerly Invitae), Labcorp
Classification: Uncertain significance for Hereditary spastic paraplegia 48. Last evaluated: 2024-10-14. Review status: criteria provided, single submitter. Criteria: Invitae Variant Classification Sherloc (09022015). Collection method: clinical testing. Allele origin: germline.
Comment: This sequence change replaces leucine, which is neutral and non-polar, with valine, which is neutral and non-polar, at codon 636 of the AP5Z1 protein (p.Leu636Val). This variant is not present in population databases (gnomAD no frequency). This variant has not been reported in the literature in individuals affected with AP5Z1-related conditions. ClinVar contains an entry for this variant (Variation ID: 1344221). Invitae Evidence Modeling of protein sequence and biophysical properties (such as structural, functional, and spatial information, amino acid conservation, physicochemical variation, residue mobility, and thermodynamic stability) indicates that this missense variant is not expected to disrupt AP5Z1 protein function with a negative predictive value of 80%. In summary, the available evidence is currently insufficient to determine the role of this variant in disease. Therefore, it has been classified as a Variant of Uncertain Significance.

Ambry Genetics
Classification: Uncertain significance for Inborn genetic diseases. Last evaluated: 2021-06-18. Review status: criteria provided, single submitter. Criteria: Ambry Variant Classification Scheme 2023. Collection method: clinical testing. Allele origin: germline.

Genome Diagnostics Laboratory, The Hospital for Sick Children
Classification: Uncertain significance for Hereditary spastic paraplegia. Last evaluated: 2021-06-16. Review status: criteria provided, single submitter. Criteria: ACMG Guidelines, 2015. Collection method: clinical testing. Allele origin: germline. Affected: yes.

NM_014855.3(AP5Z1):c.1906C>G (p.Leu636Val)

Gene: AP5Z1 (adaptor related protein complex 5 subunit zeta 1; plus strand). Cytogenetic location: 7p22.1.
Variant type: single nucleotide variant.
Coding change: c.1906C>G on transcript NM_014855.3 (MANE Select); coding-DNA position 1906, C replaced by G.
Protein change: p.Leu636Val; replaces leucine 636 with valine.
Molecular consequence: missense variant. On other transcripts: non-coding transcript variant (1).
Genome position (GRCh38, 1-based): chr7:4,790,559, C>G. VCF-style: chr7-4790559-C-G. GRCh37 (hg19) VCF-style: chr7-4830190-C-G.
Other names: c.1438C>G, p.Leu480Val (NM_001364858.1); short protein forms L480V, L636V.
Identifiers: ClinVar variation 1344221 (VCV001344221.9), dbSNP rs867457810, ClinGen allele CA153033650.